The following is an entry in ClinVar:

NM_001466.4(FZD2):c.324G>A (p.Pro108=)

Gene: FZD2 (frizzled class receptor 2; plus strand). Cytogenetic location: 17q21.31.
Variant type: single nucleotide variant.
Coding change: c.324G>A on transcript NM_001466.4 (MANE Select); coding-DNA position 324, G replaced by A.
Protein change: p.Pro108=; no amino-acid change (proline 108 retained).
Molecular consequence: synonymous variant.
Genome position (GRCh38, 1-based): chr17:44,558,012, G>A. VCF-style: chr17-44558012-G-A. GRCh37 (hg19) VCF-style: chr17-42635380-G-A.
Identifiers: ClinVar variation 3685674 (VCV003685674.2).

ClinVar aggregate classification (germline): Uncertain significance (1 of 4 stars; one submission).

Submission:

Labcorp Genetics (formerly Invitae), Labcorp
Classification: Uncertain significance. Last evaluated: 2024-02-22. Review status: criteria provided, single submitter. Criteria: Invitae Variant Classification Sherloc (09022015). Collection method: clinical testing. Allele origin: germline.
Comment: This sequence change affects codon 108 of the FZD2 mRNA. It is a 'silent' change, meaning that it does not change the encoded amino acid sequence of the FZD2 protein. This variant is not present in population databases (gnomAD no frequency). This variant has not been reported in the literature in individuals affected with FZD2-related conditions. Experimental studies and prediction algorithms are not available or were not evaluated, and the effect of this variant on mRNA splicing is currently unknown. In summary, the available evidence is currently insufficient to determine the role of this variant in disease. Therefore, it has been classified as a Variant of Uncertain Significance.